The following is an entry in ClinVar:

NM_000539.3(RHO):c.804C>A (p.Tyr268Ter)

Gene: RHO (rhodopsin; plus strand). Cytogenetic location: 3q22.1.
Variant type: single nucleotide variant.
Coding change: c.804C>A on transcript NM_000539.3 (MANE Select); coding-DNA position 804, C replaced by A.
Protein change: p.Tyr268Ter; replaces tyrosine 268 with a stop codon.
Molecular consequence: nonsense.
Genome position (GRCh38, 1-based): chr3:129,532,640, C>A. VCF-style: chr3-129532640-C-A. GRCh37 (hg19) VCF-style: chr3-129251483-C-A.
Other names: short protein forms Y268*.
Identifiers: ClinVar variation 5006538 (VCV005006538.2).

ClinVar aggregate classification (germline): Likely pathogenic (1 of 4 stars; one submission).

Conditions:
Pigmentary retinal dystrophy. Also called: Fundus albipunctatus. Identifiers: Orphanet 227796, Orphanet 52427, MedGen C0311338, MONDO:0007639, OMIM 136880, HP:0030642.
Congenital stationary night blindness autosomal dominant 1. Also called: NIGHT BLINDNESS, CONGENITAL STATIONARY, RHODOPSIN-RELATED. Identifiers: Orphanet 215, MedGen C1864869, MONDO:0012498, OMIM 610445.
Retinitis pigmentosa 4 (RP4). Also called: RETINITIS PIGMENTOSA, RHODOPSIN-RELATED. Identifiers: Orphanet 791, MedGen C3151001, MONDO:0013395, OMIM 613731.

Submission:

Juno Genomics, Hangzhou Juno Genomics, Inc
Classification: Likely pathogenic for Congenital stationary night blindness autosomal dominant 1; Retinitis pigmentosa 4; Pigmentary retinal dystrophy. Review status: criteria provided, single submitter. Criteria: ACMG Guidelines, 2015. Collection method: clinical testing. Allele origin: germline.
Comment: Null variant in a gene where loss of function (LOF) is a known mechanism of disease.;Absent from controls (or at extremely low frequency if recessive) in Genome Aggregation Database.